The following is an entry in ClinVar:

ClinVar aggregate classification (germline): Likely pathogenic. Review status: criteria provided, single submitter (1 of 4 stars). 2 submissions from 2 submitters: Likely pathogenic (1). 1 of the submissions does not count toward it.

Conditions:
Wilson-Turner syndrome (WTS). Also called: MENTAL RETARDATION, X-LINKED, SYNDROMIC 6; INTELLECTUAL DEVELOPMENTAL DISORDER, X-LINKED, SYNDROMIC, WILSON-TURNER TYPE. Identifiers: Orphanet 3459, MedGen C1839736, MONDO:0010665, OMIM 309585.

Submissions (4):

Solve-RD Consortium
Classification: Likely pathogenic for Wilson-Turner syndrome. Review status: criteria provided, single submitter. Criteria: ACMG Guidelines, 2015. Collection method: provider interpretation. Allele origin: germline. Inheritance: Autosomal dominant inheritance. Affected: yes. Study: Solve-RD DIFT-EpiCARE reanalysis.
Comment: PP3, PM2, PS2, BP1

Variant identified during reanalysis of unsolved cases by the Solve-RD project. The Solve-RD project has received funding from the European Union’s Horizon 2020 research and innovation programme under grant agreement No 779257.

Dr. Peter K. Rogan Lab, Western University
No classification provided (evidence only). Condition: Thyroid cancer, nonmedullary, 1. Review status: no classification provided. Collection method: in vitro. Allele origin: not applicable. Functional consequence: skipped exon. Not counted in ClinVar's aggregate classification.

Dr. Peter K. Rogan Lab, Western University
No classification provided (evidence only). Condition: Thyroid cancer, nonmedullary, 1. Review status: no classification provided. Collection method: in vitro. Allele origin: not applicable. Functional consequence: retained intron. Not counted in ClinVar's aggregate classification.

Joint Genome Diagnostic Labs from Nijmegen and Maastricht, Radboudumc and MUMC+
Classification: Uncertain significance. Review status: no assertion criteria provided. Collection method: clinical testing. Allele origin: germline. Affected: yes. Not counted in ClinVar's aggregate classification.

NM_031206.7(LAS1L):c.353C>T (p.Ala118Val)

Gene: LAS1L (LAS1 like ribosome biogenesis factor; minus strand). Cytogenetic location: Xq12.
Variant type: single nucleotide variant.
Coding change: c.353C>T on transcript NM_031206.7 (MANE Select); coding-DNA position 353, C replaced by T.
Protein change: p.Ala118Val; replaces alanine 118 with valine.
Molecular consequence: missense variant. On other transcripts: non-coding transcript variant (1), intron variant (1), 5 prime UTR variant (1).
Genome position (GRCh38, 1-based): chrX:65,533,619, G>A on the plus strand (C>T on the coding strand, the complement: LAS1L is on the minus strand). VCF-style: chrX-65533619-G-A. GRCh37 (hg19) VCF-style: chrX-64753499-G-A.
Other names: NC_000023.10:g.64753499G>A; c.353C>T, p.Ala118Val (NM_001375336.1, NM_001375337.1, NM_001170649.2 and 7 more transcripts); c.236+861C>T (NM_001170650.2); c.-444C>T (NM_001375332.1); short protein forms A118V.
Identifiers: ClinVar variation 1690351 (VCV001690351.3), dbSNP rs2069618118, ClinGen allele CA413320474.